The following is an entry in ClinVar:

ClinVar aggregate classification (germline): Uncertain significance (1 of 4 stars; one submission).

Conditions:
Focal segmental glomerulosclerosis 7 (FSGS7). Identifiers: Orphanet 656, MedGen C4014925, MONDO:0014451, OMIM 616002.

gnomAD v4.1: 1 of 1,613,840 alleles (0.000062%); no homozygotes.

Submission:

3billion
Classification: Uncertain significance for Focal segmental glomerulosclerosis 7. Last evaluated: 2022-01-03. Review status: criteria provided, single submitter. Criteria: ACMG Guidelines, 2015. Collection method: clinical testing. Allele origin: germline. Affected: yes. Observed: 1 heterozygote.
Comment: The variant is not observed in the gnomAD v2.1.1 dataset (PM2_M). In silico tool predictions suggest damaging effect of the variant on gene or gene product (REVEL: 0.893, PP3_P). Therefore, this variant is classified as uncertain significance according to the recommendation of ACMG/AMP guideline.

NM_000278.5(PAX2):c.574G>C (p.Gly192Arg)

Gene: PAX2 (paired box 2; plus strand). Cytogenetic location: 10q24.31.
Variant type: single nucleotide variant.
Coding change: c.574G>C on transcript NM_000278.5 (MANE Select); coding-DNA position 574, G replaced by C.
Protein change: p.Gly192Arg; replaces glycine 192 with arginine.
Molecular consequence: missense variant.
Genome position (GRCh38, 1-based): chr10:100,781,323, G>C. VCF-style: chr10-100781323-G-C. GRCh37 (hg19) VCF-style: chr10-102541080-G-C.
Other names: c.667G>C, p.Gly223Arg (NM_001304569.2); c.574G>C, p.Gly192Arg (NM_003987.5, NM_003988.5, NM_003989.5 and 1 more transcripts); short protein forms G192R, G223R.
Identifiers: ClinVar variation 1333447 (VCV001333447.1), dbSNP rs1589848170, ClinGen allele CA378258582.
Genomic context (GRCh38, chr10:100,781,323, plus strand): 5'-CCTCCTGTTTCCAGCGCCTCCAATGACCCAGTGGGATCCTACTCCATCAATGGGATCCTG[G>C]GGATTCCTCGCTCCAATGGTGAGAAGAGGAAACGTGATGAAGGTAGGGAGGAGGGAAGAG-3'
Protein context (NP_000269.3, residues 182-202): VGSYSINGIL[Gly192Arg]IPRSNGEKRK